The following is an entry in ClinVar:

NM_001370259.2(MEN1):c.1805dup (p.Leu603fs)

Gene: MEN1 (menin 1; minus strand). Cytogenetic location: 11q13.1.
Variant type: Duplication.
Coding change: c.1805dup on transcript NM_001370259.2 (MANE Select); coding-DNA position 1805, one base duplicated (T; older notation c.1805dupT).
Protein change: p.Leu603fs; shifts the reading frame from leucine 603.
Molecular consequence: frameshift variant.
Genome position (GRCh38, 1-based): chr11:64,804,362, A duplicated on the plus strand (T on the coding strand, the reverse complement: MEN1 is on the minus strand); the first of 3 consecutive A bases (chr11:64,804,362-64,804,364); duplicating any one gives the same sequence. VCF-style (leftmost placement, unchanged base first): chr11-64804361-G-GA. GRCh37 (hg19) VCF-style: chr11-64571833-G-GA.
Other names: c.1820dup, p.Leu608fs (NM_000244.4, NM_130800.3, NM_130801.3 and 3 more transcripts); c.1931dup, p.Leu645fs (NM_001370251.2); c.1805dup, p.Leu603fs (NM_001370260.2, NM_001370261.2, NM_130799.3); c.1700dup, p.Leu568fs (NM_001370262.2, NM_001370263.2); short protein forms L568fs, L608fs, L645fs, L603fs.
Identifiers: ClinVar variation 955094 (VCV000955094.8), dbSNP rs1941486297, ClinGen allele CA1139661989.

ClinVar aggregate classification (germline): Uncertain significance (1 of 4 stars; one submission).

Conditions:
Multiple endocrine neoplasia, type 1 (MEN1). Also called: MEN I; WERMER SYNDROME; Endocrine adenomatosis multiple; MEN 1; MEA I. Identifiers: Orphanet 652, MedGen C0025267, MeSH D018761, MONDO:0007540, OMIM 131100.

Submission:

Labcorp Genetics (formerly Invitae), Labcorp
Classification: Uncertain significance for Multiple endocrine neoplasia, type 1. Last evaluated: 2019-08-18. Review status: criteria provided, single submitter. Criteria: Invitae Variant Classification Sherloc (09022015). Collection method: clinical testing. Allele origin: germline.
Comment: In summary, the available evidence is currently insufficient to determine the role of this variant in disease. Therefore, it has been classified as a Variant of Uncertain Significance. Experimental studies and prediction algorithms are not available or were not evaluated for this variant, and the functional significance of this variant is currently unknown. This variant has not been reported in the literature in individuals with MEN1-related conditions. This variant is not present in population databases (ExAC no frequency). This sequence change results in a frameshift in the MEN1 gene (p.Leu603Profs*76). While this is not anticipated to result in nonsense mediated decay, it is expected to disrupt the last 8 amino acids of the MEN1 protein and extend the protein by an additional 67 amino acids.